The following is an entry in ClinVar:

NM_015065.3(EXPH5):c.299del (p.Thr100fs)

Gene: EXPH5 (exophilin 5; minus strand). Cytogenetic location: 11q22.3.
Variant type: Deletion.
Coding change: c.299del on transcript NM_015065.3 (MANE Select); coding-DNA position 299, one base deleted (C; older notation c.299delC).
Protein change: p.Thr100fs; shifts the reading frame from threonine 100.
Molecular consequence: frameshift variant.
Genome position (GRCh38, 1-based): chr11:108,539,168, G deleted on the plus strand (C on the coding strand, the reverse complement: EXPH5 is on the minus strand). VCF-style (leftmost placement, unchanged base first): chr11-108539167-TG-T. GRCh37 (hg19) VCF-style: chr11-108409894-TG-T.
Other names: c.71del, p.Thr24fs (NM_001144763.2); c.278del, p.Thr93fs (NM_001308019.2); short protein forms T100fs, T24fs, T93fs.
Identifiers: ClinVar variation 2570810 (VCV002570810.27), dbSNP rs763718499, ClinGen allele CA6268307.

ClinVar aggregate classification (germline): Pathogenic (1 of 4 stars; one submission).

Allele frequency attached by ClinVar (database versions not stated): gnomAD exomes below 0.00001; ExAC 0.00001; gnomAD 0.00001.

Submission:

CeGaT Center for Human Genetics Tuebingen
Classification: Pathogenic. Last evaluated: 2023-04-01. Review status: criteria provided, single submitter. Criteria: CeGaT Center For Human Genetics Tuebingen Variant Classification Criteria Version 2. Collection method: clinical testing. Allele origin: germline. Affected: yes. Observed: 1 variant allele.
Comment: EXPH5: PVS1, PM2